The following is an entry in ClinVar:

NM_022834.5(VWA1):c.444C>T (p.Ser148=)

Gene: VWA1 (von Willebrand factor A domain containing 1; plus strand). Cytogenetic location: 1p36.33.
Variant type: single nucleotide variant.
Coding change: c.444C>T on transcript NM_022834.5 (MANE Select); coding-DNA position 444, C replaced by T.
Protein change: p.Ser148=; no amino-acid change (serine 148 retained).
Molecular consequence: synonymous variant. On other transcripts: intron variant (1).
Genome position (GRCh38, 1-based): chr1:1,437,297, C>T. VCF-style: chr1-1437297-C-T. GRCh37 (hg19) VCF-style: chr1-1372677-C-T.
Other names: c.74-25C>T (NM_199121.3).
Identifiers: ClinVar variation 3388628 (VCV003388628.14).

ClinVar aggregate classification (germline): Uncertain significance (1 of 4 stars; one submission).

gnomAD v4.1: 236 of 1,610,398 alleles (0.015%); highest among the groups gnomAD compares: Non-Finnish European, 0.018%; no homozygotes.

Submission:

CeGaT Center for Human Genetics Tuebingen
Classification: Uncertain significance. Last evaluated: 2024-11-01. Review status: criteria provided, single submitter. Criteria: CeGaT Center For Human Genetics Tuebingen Variant Classification Criteria Version 2. Collection method: clinical testing. Allele origin: germline. Affected: yes. Observed: 1 variant allele.
Comment: VWA1: PM2:Supporting